The following is an entry in ClinVar:

ClinVar aggregate classification (germline): Uncertain significance. Review status: criteria provided, multiple submitters, no conflicts (2 of 4 stars). 2 submissions from 2 submitters: Uncertain significance (2). Last evaluated 2025-08-31.

Conditions:
Hereditary cancer-predisposing syndrome. Also called: Neoplastic Syndromes, Hereditary; Hereditary neoplastic syndrome; Tumor predisposition; Hereditary Cancer Syndrome. Identifiers: Orphanet 140162, MedGen C0027672, MeSH D009386, MONDO:0015356.
Hereditary diffuse gastric adenocarcinoma (HDGC). Also called: DIFFUSE GASTRIC AND LOBULAR BREAST CANCER SYNDROME. Identifiers: Orphanet 26106, MedGen C1708349, MONDO:0007648, OMIM 137215.

Submissions (2):

Ambry Genetics
Classification: Uncertain significance for Hereditary cancer-predisposing syndrome. Last evaluated: 2025-08-31. Review status: criteria provided, single submitter. Criteria: Ambry Variant Classification Scheme 2023. Collection method: clinical testing. Allele origin: germline.
Comment: The p.T115A variant (also known as c.343A>G), located in coding exon 3 of the CDH1 gene, results from an A to G substitution at nucleotide position 343. The threonine at codon 115 is replaced by alanine, an amino acid with similar properties. This amino acid position is conserved. In addition, this alteration is predicted to be tolerated by in silico analysis. Based on the available evidence, the clinical significance of this variant remains unclear.

Labcorp Genetics (formerly Invitae), Labcorp
Classification: Uncertain significance for Hereditary diffuse gastric adenocarcinoma. Last evaluated: 2022-06-26. Review status: criteria provided, single submitter. Criteria: Invitae Variant Classification Sherloc (09022015). Collection method: clinical testing. Allele origin: germline.
Comment: In summary, the available evidence is currently insufficient to determine the role of this variant in disease. Therefore, it has been classified as a Variant of Uncertain Significance. Algorithms developed to predict the effect of missense changes on protein structure and function (SIFT, PolyPhen-2, Align-GVGD) all suggest that this variant is likely to be tolerated. This variant has not been reported in the literature in individuals affected with CDH1-related conditions. This variant is not present in population databases (gnomAD no frequency). This sequence change replaces threonine, which is neutral and polar, with alanine, which is neutral and non-polar, at codon 115 of the CDH1 protein (p.Thr115Ala).

NM_004360.5(CDH1):c.343A>G (p.Thr115Ala)

Gene: CDH1 (cadherin 1; plus strand). Cytogenetic location: 16q22.1.
Variant type: single nucleotide variant.
Coding change: c.343A>G on transcript NM_004360.5 (MANE Select); coding-DNA position 343, A replaced by G.
Protein change: p.Thr115Ala; replaces threonine 115 with alanine.
Molecular consequence: missense variant. On other transcripts: 5 prime UTR variant (2).
Genome position (GRCh38, 1-based): chr16:68,801,849, A>G. VCF-style: chr16-68801849-A-G. GRCh37 (hg19) VCF-style: chr16-68835752-A-G.
Other names: c.343A>G, p.Thr115Ala (NM_001317184.2); c.-1273A>G (NM_001317185.2); c.-1477A>G (NM_001317186.2); short protein forms T115A.
Identifiers: ClinVar variation 2011230 (VCV002011230.6), dbSNP rs2152126976, ClinGen allele CA396457429.